The following is an entry in ClinVar:

ClinVar aggregate classification (germline): Uncertain significance (1 of 4 stars; one submission).

Conditions:
Hereditary sensory and autonomic neuropathy type 1 (HSAN1). Also called: HSAN 1; HSN Type I; Hereditary Sensory Neuropathy Type I. Identifiers: Orphanet 36386, MedGen C0020071, MONDO:0018213.

gnomAD v4.1: 6 of 1,613,016 alleles (0.00037%); highest among the groups gnomAD compares: African/African-American, 0.0067%; no homozygotes.

Submission:

Labcorp Genetics (formerly Invitae), Labcorp
Classification: Uncertain significance for Hereditary sensory and autonomic neuropathy type 1. Last evaluated: 2025-12-17. Review status: criteria provided, single submitter. Criteria: Invitae Variant Classification Sherloc (09022015). Collection method: clinical testing. Allele origin: germline.
Comment: This sequence change replaces threonine, which is neutral and polar, with serine, which is neutral and polar, at codon 3 of the SPTLC1 protein (p.Thr3Ser). This variant is not present in population databases (gnomAD no frequency). This variant has not been reported in the literature in individuals affected with SPTLC1-related conditions. An algorithm developed to predict the effect of missense changes on protein structure and function (PolyPhen-2) suggests that this variant is likely to be tolerated. In summary, the available evidence is currently insufficient to determine the role of this variant in disease. Therefore, it has been classified as a Variant of Uncertain Significance.

NM_006415.4(SPTLC1):c.8C>G (p.Thr3Ser)

Gene: SPTLC1 (serine palmitoyltransferase long chain base subunit 1; minus strand). Cytogenetic location: 9q22.31.
Variant type: single nucleotide variant.
Coding change: c.8C>G on transcript NM_006415.4 (MANE Select); coding-DNA position 8, C replaced by G.
Protein change: p.Thr3Ser; replaces threonine 3 with serine.
Molecular consequence: missense variant. On other transcripts: 5 prime UTR variant (2).
Genome position (GRCh38, 1-based): chr9:92,115,363, G>C on the plus strand (C>G on the coding strand, the complement: SPTLC1 is on the minus strand). VCF-style: chr9-92115363-G-C. GRCh37 (hg19) VCF-style: chr9-94877645-G-C.
Other names: c.8C>G, p.Thr3Ser (NM_001281303.2, NM_178324.3); c.-492C>G (NM_001368272.1); c.-603C>G (NM_001368273.1); short protein forms T3S.
Identifiers: ClinVar variation 4804546 (VCV004804546.1).